The following is an entry in ClinVar:

ClinVar aggregate classification (germline): Likely benign (1 of 4 stars; one submission).

Allele frequency attached by ClinVar (database versions not stated): 1000 Genomes Project 30x 0.00016; 1000 Genomes Project 0.00020.
gnomAD v4.1: 145 of 1,603,712 alleles (0.009%); highest among the groups gnomAD compares: East Asian, 0.016%; no homozygotes.

Submission:

CeGaT Center for Human Genetics Tuebingen
Classification: Likely benign. Last evaluated: 2024-11-01. Review status: criteria provided, single submitter. Criteria: CeGaT Center For Human Genetics Tuebingen Variant Classification Criteria Version 2. Collection method: clinical testing. Allele origin: germline. Affected: yes. Observed: 2 variant alleles.
Comment: SLC45A1: BP4, BP7

NM_001080397.3(SLC45A1):c.1509G>A (p.Ala503=)

Gene: SLC45A1 (solute carrier family 45 member 1; plus strand). Cytogenetic location: 1p36.23.
Variant type: single nucleotide variant.
Coding change: c.1509G>A on transcript NM_001080397.3 (MANE Select); coding-DNA position 1509, G replaced by A.
Protein change: p.Ala503=; no amino-acid change (alanine 503 retained).
Molecular consequence: synonymous variant.
Genome position (GRCh38, 1-based): chr1:8,335,502, G>A. VCF-style: chr1-8335502-G-A. GRCh37 (hg19) VCF-style: chr1-8395562-G-A.
Other names: c.1509G>A, p.Ala503= (NM_001379614.1); c.1416G>A, p.Ala472= (NM_001379615.1, NM_001379616.1); c.903G>A, p.Ala301= (NM_001379617.1, NM_001379618.1).
Identifiers: ClinVar variation 2638154 (VCV002638154.24), dbSNP rs575632472, ClinGen allele CA570418.
Genomic context (GRCh38, chr1:8,335,502, plus strand): 5'-CAATATCCTGCTCAACGGCGTGAAGTATGAGAGCGAGCTGACGGGCTCCAGCGAGCGCGC[G>A]GAGCAGCCTCTGTCCGTGGGGCGCCTCTGCTCCACCATCTGCAACATGCCCAAGGCGCTA-3'
Protein context (NP_001073866.3, residues 493-513): ESELTGSSER[Ala503=]EQPLSVGRLC